The following is an entry in ClinVar:

NM_152296.5(ATP1A3):c.2525T>C (p.Met842Thr)

Gene: ATP1A3 (ATPase Na+/K+ transporting subunit alpha 3; minus strand). Cytogenetic location: 19q13.2.
Variant type: single nucleotide variant.
Coding change: c.2525T>C on transcript NM_152296.5 (MANE Select); coding-DNA position 2525, T replaced by C.
Protein change: p.Met842Thr; replaces methionine 842 with threonine.
Molecular consequence: missense variant.
Genome position (GRCh38, 1-based): chr19:41,970,202, A>G on the plus strand (T>C on the coding strand, the complement: ATP1A3 is on the minus strand). VCF-style: chr19-41970202-A-G. GRCh37 (hg19) VCF-style: chr19-42474354-A-G.
Other names: c.2558T>C, p.Met853Thr (NM_001256213.2); c.2564T>C, p.Met855Thr (NM_001256214.2); short protein forms M842T, M853T, M855T.
Identifiers: ClinVar variation 1721811 (VCV001721811.5), dbSNP rs2514032286, ClinGen allele CA406038613.

ClinVar aggregate classification (germline): Uncertain significance (1 of 4 stars; one submission).

Conditions:
Dystonia 12 (DYT12). Also called: Rapid-Onset Dystonia-Parkinsonism (RDP); DYT-ATP1A3. Identifiers: Orphanet 71517, MedGen C1868681, MONDO:0007496, OMIM 128235.

Submission:

Labcorp Genetics (formerly Invitae), Labcorp
Classification: Uncertain significance for Dystonia 12. Last evaluated: 2022-10-18. Review status: criteria provided, single submitter. Criteria: Invitae Variant Classification Sherloc (09022015). Collection method: clinical testing. Allele origin: germline.
Comment: This sequence change replaces methionine, which is neutral and non-polar, with threonine, which is neutral and polar, at codon 842 of the ATP1A3 protein (p.Met842Thr). This variant is not present in population databases (gnomAD no frequency). This variant has not been reported in the literature in individuals affected with ATP1A3-related conditions. Advanced modeling of protein sequence and biophysical properties (such as structural, functional, and spatial information, amino acid conservation, physicochemical variation, residue mobility, and thermodynamic stability) performed at Invitae indicates that this missense variant is expected to disrupt ATP1A3 protein function. In summary, the available evidence is currently insufficient to determine the role of this variant in disease. Therefore, it has been classified as a Variant of Uncertain Significance.